The following is an entry in ClinVar:

ClinVar aggregate classification (germline): Uncertain significance. Review status: criteria provided, multiple submitters, no conflicts (2 of 4 stars). 2 submissions from 2 submitters: Uncertain significance (2). Last evaluated 2020-08-20.

Submissions (2):

Ambry Genetics
Classification: Uncertain significance. Last evaluated: 2020-08-20. Review status: criteria provided, single submitter. Criteria: Ambry Variant Classification Scheme 2023. Collection method: clinical testing. Allele origin: germline.
Comment: The p.Q26* variant (also known as c.76C>T), located in coding exon 2 of the RECQL gene, results from a C to T substitution at nucleotide position 76. This changes the amino acid from a glutamine to a stop codon within coding exon 2. This alteration is expected to result in premature protein truncation or nonsense-mediated mRNA decay. However, the gene-disease association for RECQL is limited. Since supporting evidence is limited at this time, the clinical significance of this alteration remains unclear.

Labcorp Genetics (formerly Invitae), Labcorp
Classification: Uncertain significance. Last evaluated: 2020-03-12. Review status: criteria provided, single submitter. Criteria: Invitae Variant Classification Sherloc (09022015). Collection method: clinical testing. Allele origin: germline.
Comment: This variant is not present in population databases (ExAC no frequency). This sequence change creates a premature translational stop signal (p.Gln26*) in the RECQL gene. It is expected to result in an absent or disrupted protein product. This variant has not been reported in the literature in individuals with RECQL-related conditions. The current clinical and genetic evidence is not sufficient to establish whether loss-of-function variants in RECQL cause disease. In summary, the available evidence is currently insufficient to determine the role of this variant in disease. Therefore, it has been classified as a Variant of Uncertain Significance.

NM_002907.4(RECQL):c.76C>T (p.Gln26Ter)

Gene: RECQL (RecQ like helicase; minus strand). Cytogenetic location: 12p12.1.
Variant type: single nucleotide variant.
Coding change: c.76C>T on transcript NM_002907.4 (MANE Select); coding-DNA position 76, C replaced by T.
Protein change: p.Gln26Ter; replaces glutamine 26 with a stop codon.
Molecular consequence: nonsense.
Genome position (GRCh38, 1-based): chr12:21,491,657, G>A on the plus strand (C>T on the coding strand, the complement: RECQL is on the minus strand). VCF-style: chr12-21491657-G-A. GRCh37 (hg19) VCF-style: chr12-21644591-G-A.
Other names: c.76C>T, p.Gln26Ter (NM_032941.3); short protein forms Q26*.
Identifiers: ClinVar variation 1035282 (VCV001035282.9), dbSNP rs1943417516, ClinGen allele CA384134618.
Genomic context (GRCh38, chr12:21,491,657, plus strand): 5'-TTTTCTTTGTCAGGACTTTTTTTTTCTGAATAAGCTCTTGTTGCCTTTCCGTAAGTTCTT[G>A]AATTTGAATTTCTACTGCATGTAGCTCACTGGTTATAGAATCCAGTTCCTCAGTTAGAGC-3'